The following is an entry in ClinVar:

ClinVar aggregate classification (germline): Uncertain significance (1 of 4 stars; one submission).

Conditions:
Mitochondrial hypertrophic cardiomyopathy with lactic acidosis due to MTO1 deficiency. Also called: Combined oxidative phosphorylation deficiency 10; CARDIOMYOPATHY, INFANTILE HYPERTROPHIC MITOCHONDRIAL, AND LACTIC ACIDOSIS. Identifiers: Orphanet 314637, MedGen C4749921, MONDO:0013865, OMIM 614702.

Allele frequency attached by ClinVar (database versions not stated): gnomAD exomes below 0.00001.
gnomAD v4.1: 1 of 1,614,202 alleles (0.000062%); highest among the groups gnomAD compares: Middle Eastern, 0.016%; no homozygotes.

Submission:

Labcorp Genetics (formerly Invitae), Labcorp
Classification: Uncertain significance for Mitochondrial hypertrophic cardiomyopathy with lactic acidosis due to MTO1 deficiency. Last evaluated: 2022-09-07. Review status: criteria provided, single submitter. Criteria: Invitae Variant Classification Sherloc (09022015). Collection method: clinical testing. Allele origin: germline.
Comment: In summary, the available evidence is currently insufficient to determine the role of this variant in disease. Therefore, it has been classified as a Variant of Uncertain Significance. Algorithms developed to predict the effect of missense changes on protein structure and function are either unavailable or do not agree on the potential impact of this missense change (SIFT: "Deleterious"; PolyPhen-2: "Probably Damaging"; Align-GVGD: "Class C0"). This variant has not been reported in the literature in individuals affected with MTO1-related conditions. This variant is not present in population databases (gnomAD no frequency). This sequence change replaces valine, which is neutral and non-polar, with alanine, which is neutral and non-polar, at codon 155 of the MTO1 protein (p.Val155Ala).

NM_012123.4(MTO1):c.464T>C (p.Val155Ala)

Gene: MTO1 (mitochondrial tRNA translation optimization 1; plus strand). Cytogenetic location: 6q13.
Variant type: single nucleotide variant.
Coding change: c.464T>C on transcript NM_012123.4 (MANE Select); coding-DNA position 464, T replaced by C.
Protein change: p.Val155Ala; replaces valine 155 with alanine.
Molecular consequence: missense variant.
Genome position (GRCh38, 1-based): chr6:73,466,535, T>C. VCF-style: chr6-73466535-T-C. GRCh37 (hg19) VCF-style: chr6-74176258-T-C.
Other names: c.464T>C, p.Val155Ala (NM_001123226.2, NM_133645.3); short protein forms V155A.
Identifiers: ClinVar variation 2078665 (VCV002078665.4), dbSNP rs2533246246, ClinGen allele CA364713004.
Genomic context (GRCh38, chr6:73,466,535, plus strand): 5'-TTTTCTTTTGACAGAAAGAAATCTTGAATACACCACTGCTTACTGTTCAGGAGGGAGCTG[T>C]AGAAGATCTTATTCTTACAGAACCAGAGCCTGAACACACTGGGAAATGCCGTGTCAGTGG-3'
Protein context (NP_036255.2, residues 145-165): TPLLTVQEGA[Val155Ala]EDLILTEPEP